The following is an entry in ClinVar:

NM_153240.5(NPHP3):c.329T>C (p.Leu110Ser)

Genes: NPHP3 (nephrocystin 3; minus strand), NPHP3-ACAD11 (NPHP3-ACAD11 readthrough (NMD candidate); minus strand), NPHP3-AS1 (NPHP3 antisense RNA 1; plus strand). Cytogenetic location: 3q22.1.
Variant type: single nucleotide variant.
Coding change: c.329T>C on transcript NM_153240.5 (MANE Select); coding-DNA position 329, T replaced by C.
Protein change: p.Leu110Ser; replaces leucine 110 with serine.
Molecular consequence: missense variant. On other transcripts: non-coding transcript variant (3).
Genome position (GRCh38, 1-based): chr3:132,722,027, A>G on the plus strand (T>C on the coding strand, the complement: NPHP3 is on the minus strand). VCF-style: chr3-132722027-A-G. GRCh37 (hg19) VCF-style: chr3-132440871-A-G.
Other names: short protein forms L110S.
Identifiers: ClinVar variation 1952337 (VCV001952337.5), dbSNP rs774199653, ClinGen allele CA2622659.

ClinVar aggregate classification (germline): Uncertain significance (1 of 4 stars; one submission).

Conditions:
Nephronophthisis. Also called: Juvenile Nephronophthisis. Identifiers: Orphanet 655, MedGen C0687120, MONDO:0019005, HP:0000090.

Allele frequency attached by ClinVar (database versions not stated): TOPMed below 0.00001; ExAC 0.00003.
gnomAD v4.1: 19 of 1,613,172 alleles (0.0012%); highest among the groups gnomAD compares: South Asian, 0.0088%; no homozygotes.

Submission:

Labcorp Genetics (formerly Invitae), Labcorp
Classification: Uncertain significance for Nephronophthisis. Last evaluated: 2022-11-01. Review status: criteria provided, single submitter. Criteria: Invitae Variant Classification Sherloc (09022015). Collection method: clinical testing. Allele origin: germline.
Comment: In summary, the available evidence is currently insufficient to determine the role of this variant in disease. Therefore, it has been classified as a Variant of Uncertain Significance. Advanced modeling of protein sequence and biophysical properties (such as structural, functional, and spatial information, amino acid conservation, physicochemical variation, residue mobility, and thermodynamic stability) performed at Invitae indicates that this missense variant is not expected to disrupt NPHP3 protein function. This variant has not been reported in the literature in individuals affected with NPHP3-related conditions. This variant is present in population databases (rs774199653, gnomAD 0.01%). This sequence change replaces leucine, which is neutral and non-polar, with serine, which is neutral and polar, at codon 110 of the NPHP3 protein (p.Leu110Ser).